The following is an entry in ClinVar:

NM_001267550.2(TTN):c.11312-4030_11312-4026dup

Gene: TTN (titin; minus strand). Cytogenetic location: 2q31.2.
Variant type: Duplication.
Coding change: c.11312-4030_11312-4026dup on transcript NM_001267550.2 (MANE Select); 4030 bases into the intron before coding-DNA position 11312 through 4026 bases into the intron before coding-DNA position 11312, 5 bases duplicated (CAAAG; older notation c.11312-4030_11312-4026dupCAAAG).
Molecular consequence: intron variant. On other transcripts: frameshift variant (1).
Genome position (GRCh38, 1-based): chr2:178,745,947-178,745,951, CTTTG duplicated on the plus strand (CAAAG on the coding strand, the reverse complement: TTN is on the minus strand); duplicating any 5 consecutive bases within chr2:178,745,947-178,745,955 gives the same sequence; the c. name uses the placement nearest the transcript's 3' end. VCF-style (leftmost placement, unchanged base first): chr2-178745946-A-ACTTTG. GRCh37 (hg19) VCF-style: chr2-179610673-A-ACTTTG.
Other names: c.16449_16453dup, p.Val5485fs (NM_133379.5); c.10223-4030_10223-4026dup (NM_003319.4); c.10799-4030_10799-4026dup (NM_133437.4); c.10598-4030_10598-4026dup (NM_133432.3); c.10360+7173_10360+7177dup (NM_133378.4); c.10361-4030_10361-4026dup (NM_001256850.1); short protein forms V5485fs.
Identifiers: ClinVar variation 4812885 (VCV004812885.1).

ClinVar aggregate classification (germline): Uncertain significance (1 of 4 stars; one submission).

Submission:

GeneDx
Classification: Uncertain significance. Last evaluated: 2025-08-27. Review status: criteria provided, single submitter. Criteria: GeneDx Variant Classification Process June 2021. Collection method: clinical testing. Allele origin: germline. Affected: yes.
Comment: Not observed at significant frequency in large population cohorts (gnomAD); Frameshift variant predicted to result in abnormal protein length as the last 120 amino acid(s) are replaced with 2 different amino acid(s); Has not been previously published as pathogenic or benign to our knowledge; Reported using an alternate transcript of the gene